The following is an entry in ClinVar:

NM_006922.4(SCN3A):c.5911G>C (p.Asp1971His)

Gene: SCN3A (sodium voltage-gated channel alpha subunit 3; minus strand). Cytogenetic location: 2q24.3.
Variant type: single nucleotide variant.
Coding change: c.5911G>C on transcript NM_006922.4 (MANE Select); coding-DNA position 5911, G replaced by C.
Protein change: p.Asp1971His; replaces aspartic acid 1971 with histidine.
Molecular consequence: missense variant.
Genome position (GRCh38, 1-based): chr2:165,090,242, C>G on the plus strand (G>C on the coding strand, the complement: SCN3A is on the minus strand). VCF-style: chr2-165090242-C-G. GRCh37 (hg19) VCF-style: chr2-165946752-C-G.
Other names: c.5764G>C, p.Asp1922His (NM_001081676.2, NM_001081677.2); short protein forms D1922H, D1971H.
Identifiers: ClinVar variation 2142826 (VCV002142826.4), dbSNP rs544616252, ClinGen allele CA1938334.

ClinVar aggregate classification (germline): Uncertain significance (1 of 4 stars; one submission).

Allele frequency attached by ClinVar (database versions not stated): gnomAD 0.00001; gnomAD exomes 0.00001; ExAC 0.00002; 1000 Genomes Project 30x 0.00016; 1000 Genomes Project 0.00020.
gnomAD v4.1: 7 of 1,610,762 alleles (0.00043%); highest among the groups gnomAD compares: South Asian, 0.0066%; no homozygotes.

Submission:

Labcorp Genetics (formerly Invitae), Labcorp
Classification: Uncertain significance. Last evaluated: 2025-01-27. Review status: criteria provided, single submitter. Criteria: Invitae Variant Classification Sherloc (09022015). Collection method: clinical testing. Allele origin: germline.
Comment: This sequence change replaces aspartic acid, which is acidic and polar, with histidine, which is basic and polar, at codon 1971 of the SCN3A protein (p.Asp1971His). This variant is present in population databases (rs544616252, gnomAD 0.007%). This variant has not been reported in the literature in individuals affected with SCN3A-related conditions. ClinVar contains an entry for this variant (Variation ID: 2142826). Invitae Evidence Modeling of protein sequence and biophysical properties (such as structural, functional, and spatial information, amino acid conservation, physicochemical variation, residue mobility, and thermodynamic stability) indicates that this missense variant is not expected to disrupt SCN3A protein function with a negative predictive value of 95%. In summary, the available evidence is currently insufficient to determine the role of this variant in disease. Therefore, it has been classified as a Variant of Uncertain Significance.